The following is an entry in ClinVar:

ClinVar aggregate classification (germline): Uncertain significance (1 of 4 stars; one submission).

Allele frequency attached by ClinVar (database versions not stated): gnomAD 0.00002; gnomAD exomes 0.00002; TOPMed 0.00004; ExAC 0.00007; ESP Exome Variant Server 0.00016.
gnomAD v4.1: 25 of 1,613,784 alleles (0.0015%); highest among the groups gnomAD compares: African/African-American, 0.0067%; no homozygotes.

Submission:

Labcorp Genetics (formerly Invitae), Labcorp
Classification: Uncertain significance. Last evaluated: 2023-10-05. Review status: criteria provided, single submitter. Criteria: Invitae Variant Classification Sherloc (09022015). Collection method: clinical testing. Allele origin: germline.
Comment: This sequence change replaces arginine, which is basic and polar, with cysteine, which is neutral and slightly polar, at codon 1732 of the SBF1 protein (p.Arg1732Cys). This variant is present in population databases (rs370727376, gnomAD 0.01%). This variant has not been reported in the literature in individuals affected with SBF1-related conditions. Advanced modeling of protein sequence and biophysical properties (such as structural, functional, and spatial information, amino acid conservation, physicochemical variation, residue mobility, and thermodynamic stability) performed at Invitae indicates that this missense variant is not expected to disrupt SBF1 protein function. In summary, the available evidence is currently insufficient to determine the role of this variant in disease. Therefore, it has been classified as a Variant of Uncertain Significance.

NM_002972.4(SBF1):c.5194C>T (p.Arg1732Cys)

Gene: SBF1 (SET binding factor 1; minus strand). Cytogenetic location: 22q13.33.
Variant type: single nucleotide variant.
Coding change: c.5194C>T on transcript NM_002972.4 (MANE Select); coding-DNA position 5194, C replaced by T.
Protein change: p.Arg1732Cys; replaces arginine 1732 with cysteine.
Molecular consequence: missense variant.
Genome position (GRCh38, 1-based): chr22:50,448,402, G>A on the plus strand (C>T on the coding strand, the complement: SBF1 is on the minus strand). VCF-style: chr22-50448402-G-A. GRCh37 (hg19) VCF-style: chr22-50886831-G-A.
Other names: c.5119C>T, p.Arg1707Cys (NM_001365819.1); c.5197C>T, p.Arg1733Cys (NM_001410794.1); c.5116C>T, p.Arg1706Cys (NM_001410795.1); c.5194C>T, p.Arg1732Cys (NM_197971.1); short protein forms R1732C, R1706C, R1707C, R1733C.
Identifiers: ClinVar variation 2756174 (VCV002756174.3), dbSNP rs370727376, ClinGen allele CA10315933.